The following is an entry in ClinVar:

NM_031857.2(PCDHA9):c.1875G>T (p.Gly625=)

Genes: PCDHA1 (protocadherin alpha 1; plus strand), PCDHA2 (protocadherin alpha 2; plus strand), PCDHA3 (protocadherin alpha 3; plus strand), PCDHA4 (protocadherin alpha 4; plus strand), PCDHA5 (protocadherin alpha 5; plus strand) and 5 more. Cytogenetic location: 5q31.3.
Variant type: single nucleotide variant.
Coding change: c.1875G>T on transcript NM_031857.2 (MANE Select); coding-DNA position 1875, G replaced by T.
Protein change: p.Gly625=; no amino-acid change (glycine 625 retained).
Molecular consequence: synonymous variant. On other transcripts: intron variant (10).
Genome position (GRCh38, 1-based): chr5:140,850,370, G>T. VCF-style: chr5-140850370-G-T. GRCh37 (hg19) VCF-style: chr5-140229955-G-T.
Other names: c.1875G>T, p.Gly625= (NM_014005.5); c.2394+61686G>T (NM_018900.4); c.1602+62478G>T (NM_031411.3); c.2388+53018G>T (NM_018905.3); c.2394+46779G>T (NM_018906.3); c.2385+40798G>T (NM_018907.4); c.2352+26243G>T (NM_018908.3); c.2394+19885G>T (NM_018909.4); and 3 more.
Identifiers: ClinVar variation 4988205 (VCV004988205.1).
Genomic context (GRCh38, chr5:140,850,370, plus strand): 5'-GTGGCTTTCATACGAGCTGCAGCCAGAAACGGCCAGCGCGAGCATCCCGTTCCGCGTGGG[G>T]CTGTACACGGGCGAGATCAGCACAACGCGTGCCCTGGACGAAACGGACGCACCGCGCCAG-3'
Protein context (NP_114063.1, residues 615-635): TASASIPFRV[Gly625=]LYTGEISTTR

ClinVar aggregate classification (germline): Likely benign (1 of 4 stars; one submission).

Conditions:
PCDHA9-related disorder. Also called: PCDHA9-related condition.

Submission:

PreventionGenetics, part of Exact Sciences
Classification: Likely benign for PCDHA9-related condition. Last evaluated: 2025-08-27. Review status: criteria provided, single submitter. Criteria: ACMG Guidelines, 2015. Collection method: clinical testing. Allele origin: germline.
Comment: This variant is classified as likely benign based on ACMG/AMP sequence variant interpretation guidelines (Richards et al. 2015 PMID: 25741868, with internal and published modifications).